The following is an entry in ClinVar:

ClinVar aggregate classification (germline): Uncertain significance. Review status: criteria provided, multiple submitters, no conflicts (2 of 4 stars). 5 submissions from 5 submitters: Uncertain significance (4). 1 of the submissions does not count toward it. Last evaluated 2025-12-22.

Conditions:
IFT140-related disorder. Also called: IFT140-related condition.
Inborn genetic diseases. Identifiers: MedGen C0950123, MeSH D030342.
Saldino-Mainzer syndrome (SRTD9). Also called: Renal dysplasia, retinal pigmentary dystrophy, cerebellar ataxia and skeletal dysplasia; SHORT-RIB THORACIC DYSPLASIA 9 WITHOUT POLYDACTYLY; short-rib thoracic dysplasia 9 with or without polydactyly; CONORENAL SYNDROME. Identifiers: Orphanet 140969, MedGen C1849437, MONDO:0009964, OMIM 266920.
Retinitis pigmentosa 80 (RP80). Identifiers: MedGen C4540439, MONDO:0054708, OMIM 617781.

Allele frequency attached by ClinVar (database versions not stated): TOPMed 0.00007; 1000 Genomes Project 30x 0.00078; 1000 Genomes Project 0.00080.

Submissions (5):

Labcorp Genetics (formerly Invitae), Labcorp
Classification: Uncertain significance for Saldino-Mainzer syndrome. Last evaluated: 2025-12-22. Review status: criteria provided, single submitter. Criteria: Invitae Variant Classification Sherloc (09022015). Collection method: clinical testing. Allele origin: germline.
Comment: This sequence change replaces arginine, which is basic and polar, with cysteine, which is neutral and slightly polar, at codon 110 of the IFT140 protein (p.Arg110Cys). This variant is present in population databases (rs140159548, gnomAD 0.009%). This variant has not been reported in the literature in individuals affected with IFT140-related conditions. ClinVar contains an entry for this variant (Variation ID: 858856). Invitae Evidence Modeling of protein sequence and biophysical properties (such as structural, functional, and spatial information, amino acid conservation, physicochemical variation, residue mobility, and thermodynamic stability) indicates that this missense variant is not expected to disrupt IFT140 protein function with a negative predictive value of 95%. In summary, the available evidence is currently insufficient to determine the role of this variant in disease. Therefore, it has been classified as a Variant of Uncertain Significance.

Ambry Genetics
Classification: Uncertain significance for Inborn genetic diseases. Last evaluated: 2025-08-19. Review status: criteria provided, single submitter. Criteria: Ambry Variant Classification Scheme 2023. Collection method: clinical testing. Allele origin: germline.

Fulgent Genetics
Classification: Uncertain significance for Saldino-Mainzer syndrome; Retinitis pigmentosa 80. Last evaluated: 2024-06-20. Review status: criteria provided, single submitter. Criteria: ACMG Guidelines, 2015. Collection method: clinical testing. Allele origin: germline.

Blueprint Genetics
Classification: Uncertain significance. Last evaluated: 2024-06-06. Review status: criteria provided, single submitter. Criteria: ACMG Guidelines, 2015. Collection method: clinical testing. Allele origin: germline.

PreventionGenetics, part of Exact Sciences
Classification: Uncertain significance for IFT140-related condition. Last evaluated: 2024-09-10. Review status: no assertion criteria provided. Collection method: clinical testing. Allele origin: germline. Not counted in ClinVar's aggregate classification.
Comment: The IFT140 c.328C>T variant is predicted to result in the amino acid substitution p.Arg110Cys. To our knowledge, this variant has not been reported in the literature. This variant is reported in 0.0029% of alleles in individuals of Latino descent in gnomAD. At this time, the clinical significance of this variant is uncertain due to the absence of conclusive functional and genetic evidence.

NM_014714.4(IFT140):c.328C>T (p.Arg110Cys)

Genes: IFT140 (intraflagellar transport 140; minus strand), LOC105371046 (uncharacterized LOC105371046; plus strand). Cytogenetic location: 16p13.3.
Variant type: single nucleotide variant.
Coding change: c.328C>T on transcript NM_014714.4 (MANE Select); coding-DNA position 328, C replaced by T.
Protein change: p.Arg110Cys; replaces arginine 110 with cysteine.
Molecular consequence: missense variant.
Genome position (GRCh38, 1-based): chr16:1,602,411, G>A on the plus strand (C>T on the coding strand, the complement: IFT140 is on the minus strand). VCF-style: chr16-1602411-G-A. GRCh37 (hg19) VCF-style: chr16-1652412-G-A.
Other names: short protein forms R110C.
Identifiers: ClinVar variation 858856 (VCV000858856.11), dbSNP rs140159548, ClinGen allele CA7814749.
Genomic context (GRCh38, chr16:1,602,411, plus strand): 5'-CTTGCGCGTGTTGACTCACCCTGTCCCCAGACAGCAGGCAGTTTCCACTGGGGCTCCAAC[G>A]GAGCACGGTGATGTCGGCTGTGTGTGTCAGGGGCATCGTGTGCTGCTCCTTGTCCTGCTT-3'
Protein context (NP_055529.2, residues 100-120): LTHTADITVL[Arg110Cys]WSPSGNCLLS